The following is an entry in ClinVar:

NC_000007.13:g.(?_21892065)_(21904295_?)del

Gene: DNAH11 (dynein axonemal heavy chain 11; plus strand). Cytogenetic location: 7p15.3.
Variant type: Deletion.
Identifiers: ClinVar variation 3245637 (VCV003245637.1).

ClinVar aggregate classification (germline): Pathogenic (1 of 4 stars; one submission).

Conditions:
Primary ciliary dyskinesia. Also called: Ciliary dyskinesia. Identifiers: Orphanet 244, MedGen C0008780, MONDO:0016575, HP:0012265.

Submission:

Labcorp Genetics (formerly Invitae), Labcorp
Classification: Pathogenic for Primary ciliary dyskinesia. Last evaluated: 2023-03-16. Review status: criteria provided, single submitter. Criteria: Invitae Variant Classification Sherloc (09022015). Collection method: clinical testing. Allele origin: unknown.
Comment: For these reasons, this variant has been classified as Pathogenic. This variant disrupts a region of the DNAH11 protein in which other variant(s) (p.Leu3722Pro) have been determined to be pathogenic (Invitae). This suggests that this is a clinically significant region of the protein, and that variants that disrupt it are likely to be disease-causing. This variant has not been reported in the literature in individuals affected with DNAH11-related conditions. This variant is a gross deletion of the genomic region encompassing exon(s) 67-70 of the DNAH11 gene. This variant would be expected to be in-frame, preserving the integrity of the reading frame.